The following is an entry in ClinVar:

NM_000038.6(APC):c.4647del (p.Glu1550fs)

Gene: APC (APC regulator of Wnt signaling pathway; plus strand). Cytogenetic location: 5q22.2.
Variant type: Deletion.
Coding change: c.4647del on transcript NM_000038.6 (MANE Select); coding-DNA position 4647, one base deleted (A; older notation c.4647delA).
Protein change: p.Glu1550fs; shifts the reading frame from glutamic acid 1550.
Molecular consequence: frameshift variant.
Genome position (GRCh38, 1-based): chr5:112,840,241, A deleted; the last of 2 consecutive A bases (chr5:112,840,240-112,840,241); deleting either gives the same sequence. VCF-style (leftmost placement, unchanged base first): chr5-112840239-CA-C. GRCh37 (hg19) VCF-style: chr5-112175936-CA-C.
Other names: c.4647del, p.Glu1550fs (NM_001127510.3, NM_001354895.2); c.4593del, p.Glu1532fs (NM_001127511.3); c.4701del, p.Glu1568fs (NM_001354896.2); c.4677del, p.Glu1560fs (NM_001354897.2); c.4572del, p.Glu1525fs (NM_001354898.2); c.4563del, p.Glu1522fs (NM_001354899.2); c.4524del, p.Glu1509fs (NM_001354900.2); c.4470del, p.Glu1491fs (NM_001354901.2); and 5 more; short protein forms E1459fs, E1560fs, E1568fs, E1522fs, E1532fs, E1267fs, E1390fs, E1424fs.
Identifiers: ClinVar variation 246480 (VCV000246480.7), dbSNP rs879254283, ClinGen allele CA10584252.

ClinVar aggregate classification (germline): Likely pathogenic. Review status: criteria provided, multiple submitters, no conflicts (2 of 4 stars). 3 submissions from 3 submitters: Likely pathogenic (2). 1 of the submissions does not count toward it. Last evaluated 2019-09-13.

Conditions:
Familial multiple polyposis syndrome (FAP). Also called: Familial adenomatous polyposis; Familial intestinal polyposis; Classic familial adenomatous polyposis; Familial polyposis; Familial Adenomatous Polyposis (FAP). Identifiers: Orphanet 733, MedGen C0032580, MONDO:0021055. Disease mechanism: loss of function.

Submissions (3):

Women's Health and Genetics/Laboratory Corporation of America, LabCorp
Classification: Likely pathogenic for Familial adenomatous polyposis. Last evaluated: 2019-09-13. Review status: criteria provided, single submitter. Criteria: LabCorp Variant Classification Summary - May 2015. Collection method: clinical testing. Allele origin: germline.
Comment: Variant summary: APC c.4647delA (p.Glu1550ArgfsX15) results in a premature termination codon, predicted to cause a truncation of the encoded protein or absence of the protein due to nonsense mediated decay, which are commonly known mechanisms for disease. Truncations downstream of this position have been classified as pathogenic by our laboratory. The variant was absent in 250072 control chromosomes (gnomAD). To our knowledge, no occurrence of c.4647delA in individuals affected with Familial Adenomatous Polyposis and no experimental evidence demonstrating its impact on protein function have been reported. A ClinVar submission (evaluation after 2014) cites the variant as likely pathogenic. Based on the evidence outlined above, the variant was classified as likely pathogenic.

GeneDx
Classification: Likely pathogenic. Last evaluated: 2016-03-09. Review status: criteria provided, single submitter. Criteria: GeneDx Variant Classification (06012015). Collection method: clinical testing. Allele origin: germline. Affected: yes.
Comment: This deletion of one nucleotide in APC is denoted c.4647delA at the cDNA level and p.Glu1550ArgfsX15 (E1550RfsX15) at the protein level. The normal sequence, with the base that is deleted in braces, is ACCA[A]GAGA. The deletion causes a frameshift which changes a Glutamic Acid to an Arginine at codon 1550, and creates a premature stop codon at position 15 of the new reading frame. Even though this frameshift occurs in the last exon of the gene, and nonsense-mediated decay is not expected to occur, it is significant since the last 1294 amino acids are replaced with 14 incorrect amino acids. Although this variant has not, to our knowledge, been reported in the literature, it is predicted to cause loss of normal protein function through protein truncation. We consider this variant to be likely pathogenic.

Mayo Clinic Laboratories, Mayo Clinic
Classification: Likely pathogenic. Review status: no assertion criteria provided. Collection method: clinical testing. Allele origin: unknown. Not counted in ClinVar's aggregate classification.